The following is an entry in ClinVar:

NM_033198.4(PIGS):c.398del (p.Glu133fs)

Gene: PIGS (phosphatidylinositol glycan anchor biosynthesis class S; minus strand). Cytogenetic location: 17q11.2.
Variant type: Deletion.
Coding change: c.398del on transcript NM_033198.4 (MANE Select); coding-DNA position 398, one base deleted (A; older notation c.398delA).
Protein change: p.Glu133fs; shifts the reading frame from glutamic acid 133.
Molecular consequence: frameshift variant.
Genome position (GRCh38, 1-based): chr17:28,563,501, T deleted on the plus strand (A on the coding strand, the reverse complement: PIGS is on the minus strand). VCF-style (leftmost placement, unchanged base first): chr17-28563500-CT-C. GRCh37 (hg19) VCF-style: chr17-26890518-CT-C.
Other names: p.Glu133Glyfs*10; short protein forms E133fs.
Identifiers: ClinVar variation 2683019 (VCV002683019.1), dbSNP rs1156344551, ClinGen allele CA625386303.

ClinVar aggregate classification (germline): Likely pathogenic (1 of 4 stars; one submission).

Submission:

Mayo Clinic Laboratories, Mayo Clinic
Classification: Likely pathogenic. Last evaluated: 2022-07-22. Review status: criteria provided, single submitter. Criteria: ACMG Guidelines, 2015. Collection method: clinical testing. Allele origin: germline. Observed: 1 variant allele.
Comment: PM2, PVS1